The following is an entry in ClinVar:

ClinVar aggregate classification (germline): Uncertain significance (1 of 4 stars; one submission).

Conditions:
Epilepsy. Also called: Seizure disorder. Identifiers: MedGen C0014544, MeSH D004827, MONDO:0005027.

Allele frequency attached by ClinVar (database versions not stated): gnomAD 0.00002; ExAC 0.00003; TOPMed 0.00003; gnomAD exomes 0.00004; ESP Exome Variant Server 0.00008.

Submission:

Labcorp Genetics (formerly Invitae), Labcorp
Classification: Uncertain significance for Epilepsy. Last evaluated: 2025-07-06. Review status: criteria provided, single submitter. Criteria: Invitae Variant Classification Sherloc (09022015). Collection method: clinical testing. Allele origin: germline.
Comment: This sequence change affects codon 510 of the PIGQ mRNA. It is a 'silent' change, meaning that it does not change the encoded amino acid sequence of the PIGQ protein. It affects a nucleotide within the consensus splice site. This variant is present in population databases (rs369390648, gnomAD 0.009%). This variant has not been reported in the literature in individuals affected with PIGQ-related conditions. ClinVar contains an entry for this variant (Variation ID: 662977). Algorithms developed to predict the effect of sequence changes on RNA splicing suggest that this variant is not likely to affect RNA splicing. In summary, the available evidence is currently insufficient to determine the role of this variant in disease. Therefore, it has been classified as a Variant of Uncertain Significance.

NM_004204.5(PIGQ):c.1530G>A (p.Ala510=)

Gene: PIGQ (phosphatidylinositol glycan anchor biosynthesis class Q; plus strand). Cytogenetic location: 16p13.3.
Variant type: single nucleotide variant.
Coding change: c.1530G>A on transcript NM_004204.5 (MANE Select); coding-DNA position 1530, G replaced by A.
Protein change: p.Ala510=; no amino-acid change (alanine 510 retained).
Molecular consequence: synonymous variant.
Genome position (GRCh38, 1-based): chr16:580,971, G>A. VCF-style: chr16-580971-G-A. GRCh37 (hg19) VCF-style: chr16-630971-G-A.
Other names: c.1530G>A, p.Ala510= (NM_148920.4).
Identifiers: ClinVar variation 662977 (VCV000662977.7), dbSNP rs369390648, ClinGen allele CA7780331.